The following is an entry in ClinVar:

NM_001029883.3(PCARE):c.958del (p.Arg320fs)

Gene: PCARE (photoreceptor cilium actin regulator; minus strand). Cytogenetic location: 2p23.2.
Variant type: Deletion.
Coding change: c.958del on transcript NM_001029883.3 (MANE Select); coding-DNA position 958, one base deleted (C; older notation c.958delC).
Protein change: p.Arg320fs; shifts the reading frame from arginine 320.
Molecular consequence: frameshift variant.
Genome position (GRCh38, 1-based): chr2:29,073,304, G deleted on the plus strand (C on the coding strand, the reverse complement: PCARE is on the minus strand). VCF-style (leftmost placement, unchanged base first): chr2-29073303-CG-C. GRCh37 (hg19) VCF-style: chr2-29296169-CG-C.
Other names: p.(Arg320AlafsTer3); c.958delC (NM_001029883.2); short protein forms R320fs.
Identifiers: ClinVar variation 866068 (VCV000866068.14), dbSNP rs1558490060, ClinGen allele CA531766673.

ClinVar aggregate classification (germline): Pathogenic/Likely pathogenic. Review status: criteria provided, multiple submitters, no conflicts (2 of 4 stars). 5 submissions from 5 submitters: Pathogenic (4); Likely pathogenic (1). Last evaluated 2026-05-28.

Conditions:
C2ORF71 & PCARE-related disorders.
Retinitis pigmentosa 54 (RP54). Identifiers: Orphanet 791, MedGen C3150691, MONDO:0013263, OMIM 613428.
Retinitis pigmentosa (RP). Identifiers: Orphanet 791, MedGen C0035334, MeSH D012174, MONDO:0019200, OMIM 268000. Inheritance: Autosomal dominant, autosomal recessive and X linked inheritance.

Allele frequency attached by ClinVar (database versions not stated): gnomAD 0.00001; gnomAD exomes 0.00001.

Submissions (5):

Farin Genetics Laboratory
Classification: Pathogenic for Retinitis pigmentosa 54. Last evaluated: 2026-05-28. Review status: criteria provided, single submitter. Criteria: ACMG Guidelines, 2015. Collection method: clinical testing. Allele origin: germline. Inheritance: Autosomal recessive inheritance. Affected: yes. Observed: 6 variant alleles, 6 homozygotes. Clinical features observed: Rod-cone dystrophy (HP:0000510).
Comment: This homozygous frameshift variant in PCARE/C2ORF71 was identified in affected individual(s) with autosomal recessive PCARE-associated retinopathy/retinitis pigmentosa 54. The variant is predicted to alter the reading frame and introduce a premature termination codon, consistent with a loss-of-function mechanism. Classification was performed according to ACMG/AMP 2015 criteria, considering predicted loss of function, rarity in population databases, recessive inheritance, and consistency of the retinal phenotype with PCARE-associated disease.

Blueprint Genetics
Classification: Likely pathogenic for C2ORF71 & PCARE-related disorders. Last evaluated: 2023-07-07. Review status: criteria provided, single submitter. Criteria: ACMG Guidelines, 2015. Collection method: clinical testing. Allele origin: germline. Affected: yes. Observed: 2 variant alleles.

Labcorp Genetics (formerly Invitae), Labcorp
Classification: Pathogenic. Last evaluated: 2023-02-13. Review status: criteria provided, single submitter. Criteria: Invitae Variant Classification Sherloc (09022015). Collection method: clinical testing. Allele origin: germline.
Comment: For these reasons, this variant has been classified as Pathogenic. ClinVar contains an entry for this variant (Variation ID: 866068). This variant has not been reported in the literature in individuals affected with PCARE-related conditions. This variant is present in population databases (no rsID available, gnomAD 0.002%). This sequence change creates a premature translational stop signal (p.Arg320Alafs*3) in the PCARE gene. It is expected to result in an absent or disrupted protein product. Loss-of-function variants in PCARE are known to be pathogenic (PMID: 20398886, 24339724, 26496393).

3billion
Classification: Pathogenic for Retinitis pigmentosa 54. Last evaluated: 2022-01-03. Review status: criteria provided, single submitter. Criteria: ACMG Guidelines, 2015. Collection method: clinical testing. Allele origin: germline. Affected: yes. Observed: 1 homozygote.
Comment: Frameshift: predicted to result in a loss or disruption of normal protein function through nonsense-mediated decay (NMD) or protein truncation. Multiple pathogenic variants are reported downstream of the variant (PVS1_VS). The variant has been reported at least twice as pathogenic/likely pathogenic with clinical assertions and evidence for the classification (ClinVar ID: VCV000866068). It is observed at an extremely low frequency in the gnomAD v2.1.1 dataset (total allele frequency: 0.000008, PM2_M). Therefore, this variant is classified as pathogenic according to the recommendation of ACMG/AMP guideline.

Broad Center for Mendelian Genomics, Broad Institute of MIT and Harvard
Classification: Pathogenic for Retinitis pigmentosa. Last evaluated: 2021-04-01. Review status: criteria provided, single submitter. Criteria: ACMG Guidelines, 2015. Collection method: curation. Allele origin: germline. Inheritance: Autosomal recessive inheritance. Affected: yes.
Comment: Through a review of available evidence we were able to apply the following criteria: PVS1, PM2, PM3-P. Based on this evidence we have classified this variant as Pathogenic. If you have any questions about the classification please reach out to the Pierce Lab.

Literature cited by the submitters: PubMed 20398886 (cited by Labcorp Genetics (formerly Invitae), Labcorp); PubMed 24339724 (cited by Labcorp Genetics (formerly Invitae), Labcorp); PubMed 26496393 (cited by Labcorp Genetics (formerly Invitae), Labcorp); PubMed 34906470 (cited by Broad Center for Mendelian Genomics, Broad Institute of MIT and Harvard).